The following is an entry in ClinVar:

NM_032119.4(ADGRV1):c.11623A>G (p.Thr3875Ala)

Gene: ADGRV1 (adhesion G protein-coupled receptor V1; plus strand). Cytogenetic location: 5q14.3.
Variant type: single nucleotide variant.
Coding change: c.11623A>G on transcript NM_032119.4 (MANE Select); coding-DNA position 11623, A replaced by G.
Protein change: p.Thr3875Ala; replaces threonine 3875 with alanine.
Molecular consequence: missense variant. On other transcripts: non-coding transcript variant (1).
Genome position (GRCh38, 1-based): chr5:90,756,496, A>G. VCF-style: chr5-90756496-A-G. GRCh37 (hg19) VCF-style: chr5-90052313-A-G.
Other names: short protein forms T3875A.
Identifiers: ClinVar variation 1713540 (VCV001713540.5), dbSNP rs2531645635, ClinGen allele CA360368235.

ClinVar aggregate classification (germline): Uncertain significance (1 of 4 stars; one submission).

Submission:

Labcorp Genetics (formerly Invitae), Labcorp
Classification: Uncertain significance. Last evaluated: 2022-07-23. Review status: criteria provided, single submitter. Criteria: Invitae Variant Classification Sherloc (09022015). Collection method: clinical testing. Allele origin: germline.
Comment: In summary, the available evidence is currently insufficient to determine the role of this variant in disease. Therefore, it has been classified as a Variant of Uncertain Significance. Algorithms developed to predict the effect of missense changes on protein structure and function output the following: SIFT: "Tolerated"; PolyPhen-2: "Possibly Damaging"; Align-GVGD: "Class C0". The alanine amino acid residue is found in multiple mammalian species, which suggests that this missense change does not adversely affect protein function. This variant has not been reported in the literature in individuals affected with ADGRV1-related conditions. This variant is not present in population databases (gnomAD no frequency). This sequence change replaces threonine, which is neutral and polar, with alanine, which is neutral and non-polar, at codon 3875 of the ADGRV1 protein (p.Thr3875Ala).